The following is an entry in ClinVar:

NM_000553.6(WRN):c.724+5G>A

Gene: WRN (WRN RecQ like helicase; plus strand). Cytogenetic location: 8p12.
Variant type: single nucleotide variant.
Coding change: c.724+5G>A on transcript NM_000553.6 (MANE Select); 5 bases into the intron after coding-DNA position 724, G replaced by A.
Molecular consequence: intron variant.
Genome position (GRCh38, 1-based): chr8:31,068,332, G>A. VCF-style: chr8-31068332-G-A. GRCh37 (hg19) VCF-style: chr8-30925848-G-A.
Identifiers: ClinVar variation 1478352 (VCV001478352.6), dbSNP rs2130056926, ClinGen allele CA2573142721.

ClinVar aggregate classification (germline): Uncertain significance (1 of 4 stars; one submission).

Conditions:
Werner syndrome (WRN). Identifiers: Orphanet 902, MedGen C0043119, MONDO:0010196, OMIM 277700.

Submission:

Labcorp Genetics (formerly Invitae), Labcorp
Classification: Uncertain significance for Werner syndrome. Last evaluated: 2020-12-14. Review status: criteria provided, single submitter. Criteria: Invitae Variant Classification Sherloc (09022015). Collection method: clinical testing. Allele origin: germline.
Comment: In summary, the available evidence is currently insufficient to determine the role of this variant in disease. Therefore, it has been classified as a Variant of Uncertain Significance. Nucleotide substitutions within the consensus splice site are a relatively common cause of aberrant splicing (PMID: 17576681, 9536098). Algorithms developed to predict the effect of sequence changes on RNA splicing suggest that this variant may disrupt the consensus splice site, but this prediction has not been confirmed by published transcriptional studies. This variant has not been reported in the literature in individuals with WRN-related conditions. This variant is not present in population databases (ExAC no frequency). This sequence change falls in intron 7 of the WRN gene. It does not directly change the encoded amino acid sequence of the WRN protein. It affects a nucleotide within the consensus splice site of the intron.

Literature cited by the submitters: PubMed 17576681; PubMed 9536098.